The following is an entry in ClinVar:

NM_021942.6(TRAPPC11):c.2788A>G (p.Ser930Gly)

Gene: TRAPPC11 (trafficking protein particle complex subunit 11; plus strand). Cytogenetic location: 4q35.1.
Variant type: single nucleotide variant.
Coding change: c.2788A>G on transcript NM_021942.6 (MANE Select); coding-DNA position 2788, A replaced by G.
Protein change: p.Ser930Gly; replaces serine 930 with glycine.
Molecular consequence: missense variant.
Genome position (GRCh38, 1-based): chr4:183,697,772, A>G. VCF-style: chr4-183697772-A-G. GRCh37 (hg19) VCF-style: chr4-184618925-A-G.
Other names: c.2788A>G, p.Ser930Gly (NM_199053.3); short protein forms S930G.
Identifiers: ClinVar variation 1045650 (VCV001045650.9), dbSNP rs1399140645, ClinGen allele CA358873311.

ClinVar aggregate classification (germline): Uncertain significance (1 of 4 stars; one submission).

Conditions:
Autosomal recessive limb-girdle muscular dystrophy type R18 (LGMDR18). Also called: Autosomal recessive limb-girdle muscular dystrophy type 2S; Limb-girdle muscular dystrophy, type 2S; MUSCULAR DYSTROPHY, LIMB-GIRDLE, AUTOSOMAL RECESSIVE 18. Identifiers: Orphanet 369840, MedGen C4517996, MONDO:0014144, OMIM 615356.

Allele frequency attached by ClinVar (database versions not stated): gnomAD exomes below 0.00001; TOPMed below 0.00001.
gnomAD v4.1: 1 of 1,614,064 alleles (0.000062%); highest among the groups gnomAD compares: African/African-American, 0.0013%; no homozygotes.

Submission:

Labcorp Genetics (formerly Invitae), Labcorp
Classification: Uncertain significance for Autosomal recessive limb-girdle muscular dystrophy type R18. Last evaluated: 2020-09-19. Review status: criteria provided, single submitter. Criteria: Invitae Variant Classification Sherloc (09022015). Collection method: clinical testing. Allele origin: germline.
Comment: In summary, the available evidence is currently insufficient to determine the role of this variant in disease. Therefore, it has been classified as a Variant of Uncertain Significance. Algorithms developed to predict the effect of sequence changes on RNA splicing suggest that this variant may create or strengthen a splice site, but this prediction has not been confirmed by published transcriptional studies. Algorithms developed to predict the effect of missense changes on protein structure and function are either unavailable or do not agree on the potential impact of this missense change (SIFT: "Deleterious"; PolyPhen-2: "Possibly Damaging"; Align-GVGD: "Class C0"). This variant has not been reported in the literature in individuals with TRAPPC11-related conditions. This variant is not present in population databases (ExAC no frequency). This sequence change replaces serine with glycine at codon 930 of the TRAPPC11 protein (p.Ser930Gly). The serine residue is highly conserved and there is a small physicochemical difference between serine and glycine.